The following is an entry in ClinVar:

ClinVar aggregate classification (germline): Uncertain significance (1 of 4 stars; one submission).

Submission:

Labcorp Genetics (formerly Invitae), Labcorp
Classification: Uncertain significance. Last evaluated: 2020-06-05. Review status: criteria provided, single submitter. Criteria: Invitae Variant Classification Sherloc (09022015). Collection method: clinical testing. Allele origin: germline.
Comment: This sequence change replaces serine with arginine at codon 495 of the TPP1 protein (p.Ser495Arg). The serine residue is weakly conserved and there is a moderate physicochemical difference between serine and arginine. This variant is not present in population databases (ExAC no frequency). This variant has not been reported in the literature in individuals with TPP1-related conditions. Algorithms developed to predict the effect of missense changes on protein structure and function output the following: SIFT: "Tolerated"; PolyPhen-2: "Benign"; Align-GVGD: "Class C0". The arginine amino acid residue is found in multiple mammalian species, suggesting that this missense change does not adversely affect protein function. These predictions have not been confirmed by published functional studies and their clinical significance is uncertain. In summary, the available evidence is currently insufficient to determine the role of this variant in disease. Therefore, it has been classified as a Variant of Uncertain Significance.

NM_000391.4(TPP1):c.1483A>C (p.Ser495Arg)

Gene: TPP1 (tripeptidyl peptidase 1; minus strand). Cytogenetic location: 11p15.4.
Variant type: single nucleotide variant.
Coding change: c.1483A>C on transcript NM_000391.4 (MANE Select); coding-DNA position 1483, A replaced by C.
Protein change: p.Ser495Arg; replaces serine 495 with arginine.
Molecular consequence: missense variant.
Genome position (GRCh38, 1-based): chr11:6,614,934, T>G on the plus strand (A>C on the coding strand, the complement: TPP1 is on the minus strand). VCF-style: chr11-6614934-T-G. GRCh37 (hg19) VCF-style: chr11-6636165-T-G.
Other names: short protein forms S495R.
Identifiers: ClinVar variation 1036529 (VCV001036529.8), dbSNP rs1855554457, ClinGen allele CA379472379.